The following is an entry in ClinVar:

NM_000257.4(MYH7):c.1949T>A (p.Leu650Gln)

Gene: MYH7 (myosin heavy chain 7; minus strand). Cytogenetic location: 14q11.2.
Variant type: single nucleotide variant.
Coding change: c.1949T>A on transcript NM_000257.4 (MANE Select); coding-DNA position 1949, T replaced by A.
Protein change: p.Leu650Gln; replaces leucine 650 with glutamine.
Molecular consequence: missense variant.
Genome position (GRCh38, 1-based): chr14:23,427,247, A>T on the plus strand (T>A on the coding strand, the complement: MYH7 is on the minus strand). VCF-style: chr14-23427247-A-T. GRCh37 (hg19) VCF-style: chr14-23896456-A-T.
Other names: short protein forms L650Q.
Identifiers: ClinVar variation 1520544 (VCV001520544.8), dbSNP rs1060501451, ClinGen allele CA389049471.

ClinVar aggregate classification (germline): Uncertain significance (1 of 4 stars; one submission).

Conditions:
Hypertrophic cardiomyopathy. Also called: HYPERTROPHIC MYOCARDIOPATHY. Identifiers: Orphanet 217569, MedGen C0007194, MeSH D002312, MONDO:0005045, HP:0001639.

Submission:

Labcorp Genetics (formerly Invitae), Labcorp
Classification: Uncertain significance for Hypertrophic cardiomyopathy. Last evaluated: 2022-07-26. Review status: criteria provided, single submitter. Criteria: Invitae Variant Classification Sherloc (09022015). Collection method: clinical testing. Allele origin: germline.
Comment: In summary, the available evidence is currently insufficient to determine the role of this variant in disease. Therefore, it has been classified as a Variant of Uncertain Significance. This variant is found within a region of MYH7 between codons 181 and 937 that contains the majority of the myosin head domain. Missense variants in this region have been shown to be significantly overrepresented in individuals with hypertrophic cardiomyopathy (PMID: 27532257). Algorithms developed to predict the effect of missense changes on protein structure and function (SIFT, PolyPhen-2, Align-GVGD) all suggest that this variant is likely to be disruptive. ClinVar contains an entry for this variant (Variation ID: 1520544). This variant has not been reported in the literature in individuals affected with MYH7-related conditions. This variant is not present in population databases (gnomAD no frequency). This sequence change replaces leucine, which is neutral and non-polar, with glutamine, which is neutral and polar, at codon 650 of the MYH7 protein (p.Leu650Gln).

Literature cited by the submitters: PubMed 27532257.